The following is an entry in ClinVar:

NM_004385.5(VCAN):c.3586T>G (p.Phe1196Val)

Gene: VCAN (versican; plus strand). Cytogenetic location: 5q14.3.
Variant type: single nucleotide variant.
Coding change: c.3586T>G on transcript NM_004385.5 (MANE Select); coding-DNA position 3586, T replaced by G.
Protein change: p.Phe1196Val; replaces phenylalanine 1196 with valine.
Molecular consequence: missense variant. On other transcripts: intron variant (2).
Genome position (GRCh38, 1-based): chr5:83,521,892, T>G. VCF-style: chr5-83521892-T-G. GRCh37 (hg19) VCF-style: chr5-82817711-T-G.
Other names: c.3586T>G, p.Phe1196Val (NM_001164098.2); c.1042+9496T>G (NM_001164097.2, NM_001126336.3); short protein forms F1196V.
Identifiers: ClinVar variation 2705663 (VCV002705663.3), dbSNP rs2479058624, ClinGen allele CA360306385.

ClinVar aggregate classification (germline): Uncertain significance (1 of 4 stars; one submission).

Submission:

Labcorp Genetics (formerly Invitae), Labcorp
Classification: Uncertain significance. Last evaluated: 2023-12-26. Review status: criteria provided, single submitter. Criteria: Invitae Variant Classification Sherloc (09022015). Collection method: clinical testing. Allele origin: germline.
Comment: This sequence change replaces phenylalanine, which is neutral and non-polar, with valine, which is neutral and non-polar, at codon 1196 of the VCAN protein (p.Phe1196Val). This variant is not present in population databases (gnomAD no frequency). This variant has not been reported in the literature in individuals affected with VCAN-related conditions. Algorithms developed to predict the effect of missense changes on protein structure and function output the following: SIFT: "Not Available"; PolyPhen-2: "Benign"; Align-GVGD: "Not Available". The valine amino acid residue is found in multiple mammalian species, which suggests that this missense change does not adversely affect protein function. In summary, the available evidence is currently insufficient to determine the role of this variant in disease. Therefore, it has been classified as a Variant of Uncertain Significance.